The following is an entry in ClinVar:

ClinVar aggregate classification (germline): Uncertain significance (1 of 4 stars; one submission).

Conditions:
Pilarowski-Bjornsson syndrome. Also called: DEVELOPMENTAL DELAY AND SPEECH APRAXIA WITH OR WITHOUT SEIZURES. Identifiers: Orphanet 529965, MedGen C4540131, MONDO:0060568, OMIM 617682.

Submission:

Pittsburgh Clinical Genomics Laboratory, University of Pittsburgh Medical Center
Classification: Uncertain significance for Pilarowski-Bjornsson syndrome. Last evaluated: 2023-09-15. Review status: criteria provided, single submitter. Criteria: ACMG Guidelines, 2015. Collection method: clinical testing. Allele origin: germline. Inheritance: Autosomal dominant inheritance. Affected: yes.
Comment: This sequence variant is a single nucleotide substitution (G>T) at position 4324 of the coding sequence of the CHD1 gene that changes the Glu1442 codon into a premature termition sigl. As this change occurs in exon 31 of 35, this variant is predicted to generate a non-functiol allele through either the expression of a truncated protein or a loss of chromodomain helicase D binding protein 1 expression due to nonsense mediated decay. This variant is absent from ClinVar and the gnomAD population database (0 of approximately 250,000 alleles). To our knowledge, this variant has not been observed in an individual affected by a CHD1-related disorder in the published literature. Studies examining the functiol consequence of this variant have not been published, to our knowledge. However, it is unclear if haploinsufficiency in CHD1 is a known mechanism of disease. At this time, there is insufficient evidence to determine if this variant is pathogenic or benign. Therefore, we consider this a variant of uncertain significance. ACMG Criteria: PM2, PS2

NM_001270.4(CHD1):c.4324G>T (p.Glu1442Ter)

Gene: CHD1 (chromodomain helicase DNA binding protein 1; minus strand). Cytogenetic location: 5q15.
Variant type: single nucleotide variant.
Coding change: c.4324G>T on transcript NM_001270.4 (MANE Select); coding-DNA position 4324, G replaced by T.
Protein change: p.Glu1442Ter; replaces glutamic acid 1442 with a stop codon.
Molecular consequence: nonsense. On other transcripts: non-coding transcript variant (1).
Genome position (GRCh38, 1-based): chr5:98,863,511, C>A on the plus strand (G>T on the coding strand, the complement: CHD1 is on the minus strand). VCF-style: chr5-98863511-C-A. GRCh37 (hg19) VCF-style: chr5-98199215-C-A.
Other names: c.4588G>T, p.Glu1530Ter (NM_001364113.3); c.4324G>T, p.Glu1442Ter (NM_001376194.2); short protein forms E1442*, E1530*.
Identifiers: ClinVar variation 3376235 (VCV003376235.1).